The following is an entry in ClinVar:

ClinVar aggregate classification (germline): Uncertain significance (1 of 4 stars; one submission).

Conditions:
Hereditary cancer-predisposing syndrome. Also called: Neoplastic Syndromes, Hereditary; Hereditary Cancer Syndrome; Tumor predisposition; Hereditary neoplastic syndrome. Identifiers: Orphanet 140162, MedGen C0027672, MeSH D009386, MONDO:0015356.

Submission:

Ambry Genetics
Classification: Uncertain significance for Hereditary cancer-predisposing syndrome. Last evaluated: 2025-01-18. Review status: criteria provided, single submitter. Criteria: Ambry Variant Classification Scheme 2023. Collection method: clinical testing. Allele origin: germline.
Comment: The p.M367I variant (also known as c.1101G>A), located in coding exon 8 of the PTCH1 gene, results from a G to A substitution at nucleotide position 1101. The methionine at codon 367 is replaced by isoleucine, an amino acid with highly similar properties. This amino acid position is conserved. In addition, this alteration is predicted to be deleterious by in silico analysis. Based on the available evidence, the clinical significance of this variant remains unclear.

NM_000264.5(PTCH1):c.1101G>A (p.Met367Ile)

Gene: PTCH1 (patched 1; minus strand). Cytogenetic location: 9q22.32.
Variant type: single nucleotide variant.
Coding change: c.1101G>A on transcript NM_000264.5 (MANE Select); coding-DNA position 1101, G replaced by A.
Protein change: p.Met367Ile; replaces methionine 367 with isoleucine.
Molecular consequence: missense variant. On other transcripts: non-coding transcript variant (1).
Genome position (GRCh38, 1-based): chr9:95,479,114, C>T on the plus strand (G>A on the coding strand, the complement: PTCH1 is on the minus strand). VCF-style: chr9-95479114-C-T. GRCh37 (hg19) VCF-style: chr9-98241396-C-T.
Other names: c.903G>A, p.Met301Ile (NM_001083602.3); c.1098G>A, p.Met366Ile (NM_001083603.3); c.648G>A, p.Met216Ile (NM_001083604.3, NM_001083605.3, NM_001083606.3 and 1 more transcripts); c.1101G>A, p.Met367Ile (NM_001354918.2); short protein forms M367I, M216I, M301I, M366I.
Identifiers: ClinVar variation 3784641 (VCV003784641.1).